The following is an entry in ClinVar:

NM_006231.4(POLE):c.5919_5924dup (p.Leu1975_Leu1976insAspLeu)

Gene: POLE (DNA polymerase epsilon, catalytic subunit; minus strand). Cytogenetic location: 12q24.33.
Variant type: Duplication.
Coding change: c.5919_5924dup on transcript NM_006231.4 (MANE Select); coding-DNA positions 5919 to 5924, 6 bases duplicated (GGATTT; older notation c.5919_5924dupGGATTT).
Protein change: p.Leu1975_Leu1976insAspLeu.
Molecular consequence: inframe insertion.
Genome position (GRCh38, 1-based): chr12:132,634,266-132,634,271, AAATCC duplicated on the plus strand (GGATTT on the coding strand, the reverse complement: POLE is on the minus strand). VCF-style (leftmost placement, unchanged base first): chr12-132634265-T-TAAATCC. GRCh37 (hg19) VCF-style: chr12-133210851-T-TAAATCC.
Other names: c.5919_5924dupGGATTT (NM_006231.2).
Identifiers: ClinVar variation 2860187 (VCV002860187.4), dbSNP rs2541859850, ClinGen allele CA2739277356.

ClinVar aggregate classification (germline): Uncertain significance. Review status: criteria provided, multiple submitters, no conflicts (2 of 4 stars). 2 submissions from 2 submitters: Uncertain significance (2). Last evaluated 2025-08-11.

Conditions:
Hereditary cancer-predisposing syndrome. Also called: Neoplastic Syndromes, Hereditary; Hereditary neoplastic syndrome; Tumor predisposition; Hereditary Cancer Syndrome. Identifiers: Orphanet 140162, MedGen C0027672, MeSH D009386, MONDO:0015356.

Submissions (2):

Ambry Genetics
Classification: Uncertain significance for Hereditary cancer-predisposing syndrome. Last evaluated: 2025-08-11. Review status: criteria provided, single submitter. Criteria: Ambry Variant Classification Scheme 2023. Collection method: clinical testing. Allele origin: germline.
Comment: The c.5919_5924dupGGATTT variant (also known as p.D1974_L1975dup), located in coding exon 43 of the POLE gene, results from an in-frame duplication of GGATTT at nucleotide positions 5919 to 5924. This results in the duplication of 2 extra residues (DL) between codons 1974 and 1975. This amino acid region is well conserved in available vertebrate species. In addition, the in silico prediction for this variant is inconclusive (Choi Y et al. PLoS ONE. 2012; 7(10):e46688). Based on the available evidence, the clinical significance of this variant remains unclear.

Labcorp Genetics (formerly Invitae), Labcorp
Classification: Uncertain significance. Last evaluated: 2023-04-28. Review status: criteria provided, single submitter. Criteria: Invitae Variant Classification Sherloc (09022015). Collection method: clinical testing. Allele origin: germline.
Comment: This variant, c.5919_5924dup, results in the insertion of 2 amino acid(s) of the POLE protein (p.Asp1974_Leu1975dup), but otherwise preserves the integrity of the reading frame. This variant is not present in population databases (gnomAD no frequency). This variant has not been reported in the literature in individuals affected with POLE-related conditions. In summary, the available evidence is currently insufficient to determine the role of this variant in disease. Therefore, it has been classified as a Variant of Uncertain Significance.